The following is an entry in ClinVar:

ClinVar aggregate classification (germline): Pathogenic/Likely pathogenic. Review status: criteria provided, multiple submitters, no conflicts (2 of 4 stars). 2 submissions from 2 submitters: Pathogenic (1); Likely pathogenic (1). Last evaluated 2023-05-26.

Conditions:
CNGB3-related disorder. Also called: CNGB3-related condition; CNGB3-related disorders. Identifiers: MedGen CN239340.

Submissions (2):

Blueprint Genetics
Classification: Likely pathogenic for CNGB3-related disorders. Last evaluated: 2023-05-26. Review status: criteria provided, single submitter. Criteria: ACMG Guidelines, 2015. Collection method: clinical testing. Allele origin: germline. Affected: yes. Observed: 1 variant allele.

Labcorp Genetics (formerly Invitae), Labcorp
Classification: Pathogenic. Last evaluated: 2022-10-28. Review status: criteria provided, single submitter. Criteria: Invitae Variant Classification Sherloc (09022015). Collection method: clinical testing. Allele origin: germline.
Comment: For these reasons, this variant has been classified as Pathogenic. Algorithms developed to predict the effect of sequence changes on RNA splicing suggest that this variant may disrupt the consensus splice site. ClinVar contains an entry for this variant (Variation ID: 1067152). Disruption of this splice site has been observed in individual(s) with achromatopsia (PMID: 28795510). In at least one individual the data is consistent with being in trans (on the opposite chromosome) from a pathogenic variant. This variant is not present in population databases (gnomAD no frequency). This sequence change affects an acceptor splice site in intron 9 of the CNGB3 gene. It is expected to disrupt RNA splicing. Variants that disrupt the donor or acceptor splice site typically lead to a loss of protein function (PMID: 16199547), and loss-of-function variants in CNGB3 are known to be pathogenic (PMID: 28795510).

Literature cited by the submitters: PubMed 28795510 (cited by Labcorp Genetics (formerly Invitae), Labcorp); PubMed 16199547 (cited by Labcorp Genetics (formerly Invitae), Labcorp).

NM_019098.5(CNGB3):c.1056-1G>C

Gene: CNGB3 (cyclic nucleotide gated channel subunit beta 3; minus strand). Cytogenetic location: 8q21.3.
Variant type: single nucleotide variant.
Coding change: c.1056-1G>C on transcript NM_019098.5 (MANE Select); the canonical splice acceptor site of the intron before coding-DNA position 1056, G replaced by C.
Molecular consequence: splice acceptor variant.
Genome position (GRCh38, 1-based): chr8:86,643,874, C>G on the plus strand (G>C on the coding strand, the complement: CNGB3 is on the minus strand). VCF-style: chr8-86643874-C-G. GRCh37 (hg19) VCF-style: chr8-87656102-C-G.
Identifiers: ClinVar variation 1067152 (VCV001067152.8), dbSNP rs2131594360, ClinGen allele CA371446971.
Genomic context (GRCh38, chr8:86,643,874, plus strand): 5'-TAATAAACACAGGCATTAATGTGCAGAATAAACAGCAAGTATCCAGTTGTTCGAATAACT[C>G]TGTCAGAGAGAATAGATGCAAAGTAAGATTCATGTTGTTTCTGAAATACAGCCTATTTTA-3'